The following is an entry in ClinVar:

NM_000334.4(SCN4A):c.2168G>T (p.Gly723Val)

Genes: GH-LCR (growth hormone locus control region; plus strand), SCN4A (sodium voltage-gated channel alpha subunit 4; minus strand). Cytogenetic location: 17q23.3.
Variant type: single nucleotide variant.
Coding change: c.2168G>T on transcript NM_000334.4 (MANE Select); coding-DNA position 2168, G replaced by T.
Protein change: p.Gly723Val; replaces glycine 723 with valine.
Molecular consequence: missense variant.
Genome position (GRCh38, 1-based): chr17:63,957,370, C>A on the plus strand (G>T on the coding strand, the complement: SCN4A is on the minus strand). VCF-style: chr17-63957370-C-A. GRCh37 (hg19) VCF-style: chr17-62034730-C-A.
Other names: short protein forms G723V.
Identifiers: ClinVar variation 3061846 (VCV003061846.1), dbSNP rs2509305368, ClinGen allele CA400630869.

ClinVar aggregate classification (germline): Uncertain significance (1 of 4 stars; one submission).

Conditions:
Paramyotonia congenita of Von Eulenburg. Also called: Paramyotonia Congenita; Eulenburg disease; Myotonia congenita intermittens; Von Eulenburg paramyotonia congenita; PARALYSIS PERIODICA PARAMYOTONICA. Identifiers: Orphanet 684, MedGen C0221055, MONDO:0008195, OMIM 168300. Disease mechanism: loss of function.

Submission:

MVZ Medizinische Genetik Mainz
Classification: Uncertain significance for Paramyotonia congenita of Von Eulenburg. Last evaluated: 2023-03-20. Review status: criteria provided, single submitter. Criteria: UK Practice Guidelines For Variant Classification V4 01 2020. Collection method: clinical testing. Allele origin: germline. Inheritance: Autosomal dominant inheritance. Affected: yes. Observed: 1 variant allele.
Comment: PP3_STR,PM2_SUP